The following is an entry in ClinVar:

NM_000138.5(FBN1):c.6872-2A>G

Gene: FBN1 (fibrillin 1; minus strand). Cytogenetic location: 15q21.1.
Variant type: single nucleotide variant.
Coding change: c.6872-2A>G on transcript NM_000138.5 (MANE Select); the canonical splice acceptor site of the intron before coding-DNA position 6872, A replaced by G.
Molecular consequence: splice acceptor variant.
Genome position (GRCh38, 1-based): chr15:48,428,473, T>C on the plus strand (A>G on the coding strand, the complement: FBN1 is on the minus strand). VCF-style: chr15-48428473-T-C. GRCh37 (hg19) VCF-style: chr15-48720670-T-C.
Other names: c.6872-2A>G (NM_001406716.1).
Identifiers: ClinVar variation 419834 (VCV000419834.2), dbSNP rs1064794139, ClinGen allele CA16619941.
Genomic context (GRCh38, chr15:48,428,473, plus strand): 5'-GGTGTTGAGGCAGCGCCCATTCTCACAGATCCCTGGCTTCGTCTGACATTCATTCTCATC[T>C]GTTTGATTTTATTGAAGGACCAAAAACAAGAAGAGTCATCTGACCATTTTATAGAGGATG-3'

ClinVar aggregate classification (germline): Pathogenic (1 of 4 stars; one submission).

Submission:

GeneDx
Classification: Pathogenic. Last evaluated: 2015-09-10. Review status: criteria provided, single submitter. Criteria: GeneDx Variant Classification (06012015). Collection method: clinical testing. Allele origin: germline. Affected: yes.
Comment: Although the c.6872-2 A>G substitution has not been reported as a pathogenic variant or as a benign polymorphism to our knowledge, this variant destroys the canonical splice acceptor site in intron 56 and is predicted to cause abnormal gene splicing. The variant is predicted to lead to either an abnormal message that is subject to nonsense-mediated mRNA decay, or to an abnormal protein product if the message is used for protein translation. Other splice site variants in the FBN1 gene have been reported in HGMD in association with FBN1-related disorders (Stenson et al., 2014). Furthermore, the c.6872-2 A>G variant was not observed in approximately 6,500 individuals of European and African American ancestry in the NHLBI Exome Sequencing Project, indicating it is not a common benign variant in these populations. Therefore, c.6872-2 A>G in the FBN1 gene is interpreted as a pathogenic variant.